The following is an entry in ClinVar:

ClinVar aggregate classification (germline): Likely benign (0 of 4 stars; one submission).

Conditions:
GRIA3-related disorder. Also called: GRIA3-related condition.

Submission:

PreventionGenetics, part of Exact Sciences
Classification: Likely benign for GRIA3-related condition. Last evaluated: 2022-11-17. Review status: no assertion criteria provided. Collection method: clinical testing. Allele origin: germline.
Comment: This variant is classified as likely benign based on ACMG/AMP sequence variant interpretation guidelines (Richards et al. 2015 PMID: 25741868, with internal and published modifications).

NM_007325.5(GRIA3):c.999G>A (p.Arg333=)

Gene: GRIA3 (glutamate ionotropic receptor AMPA type subunit 3; plus strand). Cytogenetic location: Xq25.
Variant type: single nucleotide variant.
Coding change: c.999G>A on transcript NM_007325.5 (MANE Select); coding-DNA position 999, G replaced by A.
Protein change: p.Arg333=; no amino-acid change (arginine 333 retained).
Molecular consequence: synonymous variant.
Genome position (GRCh38, 1-based): chrX:123,398,722, G>A. VCF-style: chrX-123398722-G-A. GRCh37 (hg19) VCF-style: chrX-122532573-G-A.
Other names: c.999G>A, p.Arg333= (NM_000828.5).
Identifiers: ClinVar variation 3045288 (VCV003045288.2), dbSNP rs2521156409, ClinGen allele CA518164512.